The following is an entry in ClinVar:

ClinVar aggregate classification (germline): Uncertain significance (1 of 4 stars; one submission).

Submission:

GeneDx
Classification: Uncertain significance. Last evaluated: 2022-08-19. Review status: criteria provided, single submitter. Criteria: GeneDx Variant Classification Process June 2021. Collection method: clinical testing. Allele origin: germline. Affected: yes.
Comment: Not observed at significant frequency in large population cohorts (gnomAD); In silico analysis supports that this missense variant has a deleterious effect on protein structure/function; Has not been previously published as pathogenic or benign to our knowledge

NM_001370100.5(ZMYND11):c.254A>C (p.Tyr85Ser)

Gene: ZMYND11 (zinc finger MYND-type containing 11; plus strand). Cytogenetic location: 10p15.3.
Variant type: single nucleotide variant.
Coding change: c.254A>C on transcript NM_001370100.5 (MANE Select); coding-DNA position 254, A replaced by C.
Protein change: p.Tyr85Ser; replaces tyrosine 85 with serine.
Molecular consequence: missense variant. On other transcripts: non-coding transcript variant (1), intron variant (1).
Genome position (GRCh38, 1-based): chr10:210,026, A>C. VCF-style: chr10-210026-A-C. GRCh37 (hg19) VCF-style: chr10-255966-A-C.
Other names: c.254A>C, p.Tyr85Ser (NM_001161482.1, NM_001202464.3, NM_001202465.3 and 25 more transcripts); c.203A>C, p.Tyr68Ser (NM_001330057.3, NM_001370112.2, NM_001370123.2); c.188A>C, p.Tyr63Ser (NM_001370116.2, NM_001370120.2); c.134A>C, p.Tyr45Ser (NM_001370118.2, NM_001370121.2); c.-33-26812A>C (NM_001370124.3); short protein forms Y45S, Y63S, Y68S, Y85S.
Identifiers: ClinVar variation 2430481 (VCV002430481.1), dbSNP rs2539339501, ClinGen allele CA375842093.